The following is an entry in ClinVar:

ClinVar aggregate classification (germline): Uncertain significance. Review status: criteria provided, single submitter (1 of 4 stars). 2 submissions from 2 submitters: Uncertain significance (1). 1 of the submissions does not count toward it. Last evaluated 2025-07-02.

Conditions:
NRP2-related disorder. Also called: NRP2-related condition.

gnomAD v4.1: 27 of 1,614,044 alleles (0.0017%); highest among the groups gnomAD compares: Non-Finnish European, 0.0021%; no homozygotes.

Submissions (2):

Ambry Genetics
Classification: Uncertain significance. Last evaluated: 2025-07-02. Review status: criteria provided, single submitter. Criteria: Ambry Variant Classification Scheme 2023. Collection method: clinical testing. Allele origin: germline.

PreventionGenetics, part of Exact Sciences
Classification: Uncertain significance for NRP2-related condition. Last evaluated: 2024-08-12. Review status: no assertion criteria provided. Collection method: clinical testing. Allele origin: germline. Not counted in ClinVar's aggregate classification.
Comment: The NRP2 c.1736C>T variant is predicted to result in the amino acid substitution p.Ser579Leu. To our knowledge, this variant has not been reported in the literature or in a large population database, indicating this variant is rare. At this time, the clinical significance of this variant is uncertain due to the absence of conclusive functional and genetic evidence.

NM_003872.3(NRP2):c.1736C>T (p.Ser579Leu)

Gene: NRP2 (neuropilin 2; plus strand). Cytogenetic location: 2q33.3.
Variant type: single nucleotide variant.
Coding change: c.1736C>T on transcript NM_003872.3 (MANE Select); coding-DNA position 1736, C replaced by T.
Protein change: p.Ser579Leu; replaces serine 579 with leucine.
Molecular consequence: missense variant.
Genome position (GRCh38, 1-based): chr2:205,745,840, C>T. VCF-style: chr2-205745840-C-T. GRCh37 (hg19) VCF-style: chr2-206610564-C-T.
Other names: c.1736C>T, p.Ser579Leu (NM_018534.4, NM_201266.2, NM_201267.2 and 1 more transcripts); short protein forms S579L.
Identifiers: ClinVar variation 3351927 (VCV003351927.2).